The following is an entry in ClinVar:

ClinVar aggregate classification (germline): Uncertain significance (1 of 4 stars; one submission).

Conditions:
Neurodevelopmental disorder with progressive spasticity and brain white matter abnormalities. Also called: CEREBRAL PALSY, SPASTIC QUADRIPLEGIC, 1. Identifiers: Orphanet 210141, Orphanet 641353, MedGen C5436628, MONDO:0033613, OMIM 619026.

Allele frequency attached by ClinVar (database versions not stated): gnomAD exomes below 0.00001.
gnomAD v4.1: 2 of 1,614,192 alleles (0.00012%); highest among the groups gnomAD compares: Admixed American, 0.0017%; no homozygotes.

Submission:

Labcorp Genetics (formerly Invitae), Labcorp
Classification: Uncertain significance for Neurodevelopmental disorder with progressive spasticity and brain white matter abnormalities. Last evaluated: 2022-06-05. Review status: criteria provided, single submitter. Criteria: Invitae Variant Classification Sherloc (09022015). Collection method: clinical testing. Allele origin: germline.
Comment: This sequence change replaces methionine, which is neutral and non-polar, with isoleucine, which is neutral and non-polar, at codon 546 of the GAD1 protein (p.Met546Ile). This variant is not present in population databases (gnomAD no frequency). This variant has not been reported in the literature in individuals affected with GAD1-related conditions. ClinVar contains an entry for this variant (Variation ID: 843952). Algorithms developed to predict the effect of missense changes on protein structure and function are either unavailable or do not agree on the potential impact of this missense change (SIFT: "Deleterious"; PolyPhen-2: "Possibly Damaging"; Align-GVGD: "Class C0"). In summary, the available evidence is currently insufficient to determine the role of this variant in disease. Therefore, it has been classified as a Variant of Uncertain Significance.

NM_000817.3(GAD1):c.1638G>C (p.Met546Ile)

Gene: GAD1 (glutamate decarboxylase 1; plus strand). Cytogenetic location: 2q31.1.
Variant type: single nucleotide variant.
Coding change: c.1638G>C on transcript NM_000817.3 (MANE Select); coding-DNA position 1638, G replaced by C.
Protein change: p.Met546Ile; replaces methionine 546 with isoleucine.
Molecular consequence: missense variant.
Genome position (GRCh38, 1-based): chr2:170,859,735, G>C. VCF-style: chr2-170859735-G-C. GRCh37 (hg19) VCF-style: chr2-171716245-G-C.
Other names: short protein forms M546I.
Identifiers: ClinVar variation 843952 (VCV000843952.10), dbSNP rs1702920979, ClinGen allele CA349269658.